The following is an entry in ClinVar:

NM_032043.3(BRIP1):c.2656A>C (p.Lys886Gln)

Gene: BRIP1 (BRCA1 interacting DNA helicase 1; minus strand). Cytogenetic location: 17q23.2.
Variant type: single nucleotide variant.
Coding change: c.2656A>C on transcript NM_032043.3 (MANE Select); coding-DNA position 2656, A replaced by C.
Protein change: p.Lys886Gln; replaces lysine 886 with glutamine.
Molecular consequence: missense variant.
Genome position (GRCh38, 1-based): chr17:61,686,085, T>G on the plus strand (A>C on the coding strand, the complement: BRIP1 is on the minus strand). VCF-style: chr17-61686085-T-G. GRCh37 (hg19) VCF-style: chr17-59763446-T-G.
Other names: short protein forms K886Q.
Identifiers: ClinVar variation 1794375 (VCV001794375.6), dbSNP rs2144116207, ClinGen allele CA400481850.
Genomic context (GRCh38, chr17:61,686,085, plus strand): 5'-CATTGTCCTGTATATTGGTTCTGTCCTTTATGGATACATTAAGAACTTTTTGATGCTTTT[T>G]GGAAAATTCAGCCAAGGATTCCAGTGCACTTTCAAAGGTTGAATGGTGCTGAATCTGCTG-3'
Protein context (NP_114432.2, residues 876-896): SALESLAEFS[Lys886Gln]KHQKVLNVSI

ClinVar aggregate classification (germline): Uncertain significance. Review status: criteria provided, multiple submitters, no conflicts (2 of 4 stars). 2 submissions from 2 submitters: Uncertain significance (2). Last evaluated 2024-06-06.

Conditions:
Familial cancer of breast. Also called: BREAST CANCER, FAMILIAL; hereditary breast carcinoma; Hereditary breast cancer. Identifiers: Orphanet 227535, MedGen C0346153, MONDO:0016419, OMIM 114480. Disease mechanism: loss of function.
Fanconi anemia complementation group J. Also called: BRIP1-Related Fanconi Anemia. Identifiers: Orphanet 84, MedGen C1836860, MONDO:0012187, OMIM 609054.
Hereditary cancer-predisposing syndrome. Also called: Neoplastic Syndromes, Hereditary; Tumor predisposition; Hereditary neoplastic syndrome; Hereditary Cancer Syndrome. Identifiers: Orphanet 140162, MedGen C0027672, MeSH D009386, MONDO:0015356.

Submissions (2):

Ambry Genetics
Classification: Uncertain significance for Hereditary cancer-predisposing syndrome. Last evaluated: 2024-06-06. Review status: criteria provided, single submitter. Criteria: Ambry Variant Classification Scheme 2023. Collection method: clinical testing. Allele origin: germline.
Comment: The p.K886Q variant (also known as c.2656A>C), located in coding exon 18 of the BRIP1 gene, results from an A to C substitution at nucleotide position 2656. The lysine at codon 886 is replaced by glutamine, an amino acid with similar properties. This amino acid position is not well conserved in available vertebrate species. In addition, this alteration is predicted to be tolerated by in silico analysis. Since supporting evidence is limited at this time, the clinical significance of this alteration remains unclear.

Labcorp Genetics (formerly Invitae), Labcorp
Classification: Uncertain significance for Familial cancer of breast; Fanconi anemia complementation group J. Last evaluated: 2022-11-09. Review status: criteria provided, single submitter. Criteria: Invitae Variant Classification Sherloc (09022015). Collection method: clinical testing. Allele origin: germline.
Comment: This sequence change replaces lysine, which is basic and polar, with glutamine, which is neutral and polar, at codon 886 of the BRIP1 protein (p.Lys886Gln). This variant is not present in population databases (gnomAD no frequency). This variant has not been reported in the literature in individuals affected with BRIP1-related conditions. Advanced modeling of protein sequence and biophysical properties (such as structural, functional, and spatial information, amino acid conservation, physicochemical variation, residue mobility, and thermodynamic stability) performed at Invitae indicates that this missense variant is not expected to disrupt BRIP1 protein function. In summary, the available evidence is currently insufficient to determine the role of this variant in disease. Therefore, it has been classified as a Variant of Uncertain Significance.